The following is an entry in ClinVar:

NM_015610.4(WIPI2):c.128+7T>G

Gene: WIPI2 (WD repeat domain, phosphoinositide interacting 2; plus strand). Cytogenetic location: 7p22.1.
Variant type: single nucleotide variant.
Coding change: c.128+7T>G on transcript NM_015610.4 (MANE Select); 7 bases into the intron after coding-DNA position 128, T replaced by G.
Molecular consequence: intron variant. On other transcripts: 5 prime UTR variant (1).
Genome position (GRCh38, 1-based): chr7:5,193,178, T>G. VCF-style: chr7-5193178-T-G. GRCh37 (hg19) VCF-style: chr7-5232809-T-G.
Other names: c.-472T>G (NM_001278299.2); c.128+7T>G (NM_001033518.2); c.74+2685T>G (NM_016003.4, NM_001033519.2).
Identifiers: ClinVar variation 3038879 (VCV003038879.2), dbSNP rs139158009, ClinGen allele CA4141514.
Genomic context (GRCh38, chr7:5,193,178, plus strand): 5'-AGAAGTGAAAGGGGCATCAAGAGCAGCTGGTCTTGGCCGTCGCGCTGTTGTCTGGTTAGT[T>G]CCAACCCTGGTTTCTGAAAGTATCACCTTGGAAGGCTTATGTTAGAGGACTTTTTTGGCT-3'

ClinVar aggregate classification (germline): Benign (0 of 4 stars; one submission).

Conditions:
WIPI2-related disorder. Also called: WIPI2-related condition.

Allele frequency attached by ClinVar (database versions not stated): ESP Exome Variant Server 0.00023; gnomAD exomes 0.00198; gnomAD 0.00201; TOPMed 0.00247; ExAC 0.00406; 1000 Genomes Project 30x 0.00718; 1000 Genomes Project 0.00759.
gnomAD v4.1: 3,248 of 1,613,162 alleles (0.2%); highest among the groups gnomAD compares: East Asian, 5.7%; 80 homozygotes.

Submission:

PreventionGenetics, part of Exact Sciences
Classification: Benign for WIPI2-related condition. Last evaluated: 2019-12-02. Review status: no assertion criteria provided. Collection method: clinical testing. Allele origin: germline.
Comment: This variant is classified as benign based on ACMG/AMP sequence variant interpretation guidelines (Richards et al. 2015 PMID: 25741868, with internal and published modifications).